The following is an entry in ClinVar:

NM_013382.7(POMT2):c.*1748C>A

Gene: POMT2 (protein O-mannosyltransferase 2; minus strand). Cytogenetic location: 14q24.3.
Variant type: single nucleotide variant.
Coding change: c.*1748C>A on transcript NM_013382.7 (MANE Select); 1748 bases downstream of the stop codon, C replaced by A.
Molecular consequence: 3 prime UTR variant.
Genome position (GRCh38, 1-based): chr14:77,275,628, G>T on the plus strand (C>A on the coding strand, the complement: POMT2 is on the minus strand). VCF-style: chr14-77275628-G-T. GRCh37 (hg19) VCF-style: chr14-77741971-G-T.
Identifiers: ClinVar variation 314519 (VCV000314519.6), dbSNP rs45458096, ClinGen allele CA10646282.

ClinVar aggregate classification (germline): Benign. Review status: criteria provided, multiple submitters, no conflicts (2 of 4 stars). 2 submissions from 2 submitters: Benign (2). Last evaluated 2018-01-12.

Conditions:
Autosomal recessive limb-girdle muscular dystrophy type 2N. Also called: MUSCULAR DYSTROPHY-DYSTROGLYCANOPATHY, LIMB-GIRDLE, POMT2-RELATED; Muscular dystrophy-dystroglycanopathy (limb-girdle), type C, 2. Identifiers: Orphanet 206559, MedGen C3150418, MONDO:0013162, OMIM 613158.

Allele frequency attached by ClinVar (database versions not stated): gnomAD exomes 0.02740; gnomAD 0.10798 and 0.11420; 1000 Genomes Project 0.10942; 1000 Genomes Project 30x 0.11633; TOPMed 0.11654.
gnomAD v4.1: 16,363 of 152,246 alleles (11%); highest among the groups gnomAD compares: African/African-American, 29%; 1,804 homozygotes.

Submissions (2):

Illumina Laboratory Services, Illumina
Classification: Benign for Autosomal recessive limb-girdle muscular dystrophy type 2N. Last evaluated: 2018-01-12. Review status: criteria provided, single submitter. Criteria: ICSL Variant Classification Criteria 13 December 2019. Collection method: clinical testing. Allele origin: germline.
Comment: This variant was observed in the ICSL laboratory as part of a predisposition screen in an ostensibly healthy population. It had not been previously curated by ICSL or reported in the Human Gene Mutation Database (HGMD: prior to June 1st, 2018), and was therefore a candidate for classification through an automated scoring system. Utilizing variant allele frequency, disease prevalence and penetrance estimates, and inheritance mode, an automated score was calculated to assess if this variant is too frequent to cause the disease. Based on the score and internal cut-off values, a variant classified as benign is not then subjected to further curation. The score for this variant resulted in a classification of benign for this disease.

Breakthrough Genomics
Classification: Benign. Review status: criteria provided, single submitter. Criteria: ACMG Guidelines, 2015. Collection method: not provided. Allele origin: germline. Inheritance: Autosomal recessive inheritance. Affected: yes.